The following is an entry in ClinVar:

NM_005560.6(LAMA5):c.7869C>T (p.Asp2623=)

Gene: LAMA5 (laminin subunit alpha 5; minus strand). Cytogenetic location: 20q13.33.
Variant type: single nucleotide variant.
Coding change: c.7869C>T on transcript NM_005560.6 (MANE Select); coding-DNA position 7869, C replaced by T.
Protein change: p.Asp2623=; no amino-acid change (aspartic acid 2623 retained).
Molecular consequence: synonymous variant.
Genome position (GRCh38, 1-based): chr20:62,315,206, G>A on the plus strand (C>T on the coding strand, the complement: LAMA5 is on the minus strand). VCF-style: chr20-62315206-G-A. GRCh37 (hg19) VCF-style: chr20-60890262-G-A.
Other names: c.7869C>T (NM_005560.4).
Identifiers: ClinVar variation 2721203 (VCV002721203.5), dbSNP rs201926183, ClinGen allele CA9940973.

ClinVar aggregate classification (germline): Likely benign. Review status: criteria provided, single submitter (1 of 4 stars). 2 submissions from 2 submitters: Likely benign (1). 1 of the submissions does not count toward it. Last evaluated 2025-12-14.

Conditions:
LAMA5-related disorder. Also called: LAMA5-Related Disorders; LAMA5-related condition.

Allele frequency attached by ClinVar (database versions not stated): gnomAD 0.00015; gnomAD exomes 0.00021; ExAC 0.00008; ESP Exome Variant Server 0.00015; TOPMed 0.00015.
gnomAD v4.1: 344 of 1,603,376 alleles (0.021%); highest among the groups gnomAD compares: Middle Eastern, 0.033%; no homozygotes.

Submissions (2):

Labcorp Genetics (formerly Invitae), Labcorp
Classification: Likely benign. Last evaluated: 2025-12-14. Review status: criteria provided, single submitter. Criteria: Invitae Variant Classification Sherloc (09022015). Collection method: clinical testing. Allele origin: germline.

PreventionGenetics, part of Exact Sciences
Classification: Likely benign for LAMA5-related condition. Last evaluated: 2019-07-22. Review status: no assertion criteria provided. Collection method: clinical testing. Allele origin: germline. Not counted in ClinVar's aggregate classification.
Comment: This variant is classified as likely benign based on ACMG/AMP sequence variant interpretation guidelines (Richards et al. 2015 PMID: 25741868, with internal and published modifications).